The following is an entry in ClinVar:

ClinVar aggregate classification (germline): Benign (3 of 4 stars; one submission).

Conditions:
Lynch syndrome. Identifiers: Orphanet 144, MedGen C4552100, MONDO:0005835. Disease mechanism: loss of function.

Allele frequency attached by ClinVar (database versions not stated): gnomAD 0.29136 and 0.29969; 1000 Genomes Project 30x 0.18207; TOPMed 0.28397; 1000 Genomes Project 0.17991.

Submission:

International Society for Gastrointestinal Hereditary Tumours (InSiGHT)
Classification: Benign for Lynch Syndrome. Last evaluated: 2013-09-05. Review status: reviewed by expert panel. Criteria: Guidelines v1.9. Collection method: research. Allele origin: germline.
Comment: MAF >1%

Classified with v1.9 guidelines
ClinVar note: Converted during submission from no known pathogenicity to Benign.

NM_000179.2(MSH6):c.-557T>G

Gene: MSH6 (mutS homolog 6; plus strand). Cytogenetic location: 2p16.3.
Variant type: single nucleotide variant.
Coding change: c.-557T>G on transcript NM_000179.2; 557 bases upstream of the start codon, T replaced by G.
Genome position (GRCh38, 1-based): chr2:47,782,677, T>G. VCF-style: chr2-47782677-T-G. GRCh37 (hg19) VCF-style: chr2-48009816-T-G.
Identifiers: ClinVar variation 89163 (VCV000089163.5), dbSNP rs3136228, ClinGen allele CA330339.